The following is an entry in ClinVar:

ClinVar aggregate classification (germline): Uncertain significance. Review status: criteria provided, multiple submitters, no conflicts (2 of 4 stars). 2 submissions from 2 submitters: Uncertain significance (2). Last evaluated 2025-09-22.

Conditions:
Inborn genetic diseases. Identifiers: MedGen C0950123, MeSH D030342.

Allele frequency attached by ClinVar (database versions not stated): gnomAD exomes 0.00001 and 0.00003; gnomAD 0.00001; TOPMed below 0.00001; ExAC 0.00001.
gnomAD v4.1: 7 of 1,613,822 alleles (0.00043%); highest among the groups gnomAD compares: East Asian, 0.016%; no homozygotes.

Submissions (2):

Ambry Genetics
Classification: Uncertain significance for Inborn genetic diseases. Last evaluated: 2025-09-22. Review status: criteria provided, single submitter. Criteria: Ambry Variant Classification Scheme 2023. Collection method: clinical testing. Allele origin: germline.

Labcorp Genetics (formerly Invitae), Labcorp
Classification: Uncertain significance. Last evaluated: 2024-04-29. Review status: criteria provided, single submitter. Criteria: Invitae Variant Classification Sherloc (09022015). Collection method: clinical testing. Allele origin: germline.
Comment: This sequence change replaces leucine, which is neutral and non-polar, with valine, which is neutral and non-polar, at codon 1720 of the PCLO protein (p.Leu1720Val). This variant is present in population databases (rs772591035, gnomAD 0.05%). This variant has not been reported in the literature in individuals affected with PCLO-related conditions. ClinVar contains an entry for this variant (Variation ID: 1348399). Experimental studies and prediction algorithms are not available or were not evaluated, and the functional significance of this variant is currently unknown. In summary, the available evidence is currently insufficient to determine the role of this variant in disease. Therefore, it has been classified as a Variant of Uncertain Significance.

NM_033026.6(PCLO):c.5158C>G (p.Leu1720Val)

Gene: PCLO (piccolo presynaptic cytomatrix protein; minus strand). Cytogenetic location: 7q21.11.
Variant type: single nucleotide variant.
Coding change: c.5158C>G on transcript NM_033026.6 (MANE Select); coding-DNA position 5158, C replaced by G.
Protein change: p.Leu1720Val; replaces leucine 1720 with valine.
Molecular consequence: missense variant.
Genome position (GRCh38, 1-based): chr7:82,955,795, G>C on the plus strand (C>G on the coding strand, the complement: PCLO is on the minus strand). VCF-style: chr7-82955795-G-C. GRCh37 (hg19) VCF-style: chr7-82585111-G-C.
Other names: c.5158C>G, p.Leu1720Val (NM_014510.3); c.5158C>G (NM_033026.5); short protein forms L1720V.
Identifiers: ClinVar variation 1348399 (VCV001348399.8), dbSNP rs772591035, ClinGen allele CA4320696.